The following is an entry in ClinVar:

NM_017780.4(CHD7):c.5948T>C (p.Val1983Ala)

Gene: CHD7 (chromodomain helicase DNA binding protein 7; plus strand). Cytogenetic location: 8q12.2.
Variant type: single nucleotide variant.
Coding change: c.5948T>C on transcript NM_017780.4 (MANE Select); coding-DNA position 5948, T replaced by C.
Protein change: p.Val1983Ala; replaces valine 1983 with alanine.
Molecular consequence: missense variant. On other transcripts: intron variant (1).
Genome position (GRCh38, 1-based): chr8:60,852,551, T>C. VCF-style: chr8-60852551-T-C. GRCh37 (hg19) VCF-style: chr8-61765110-T-C.
Other names: c.1717-9678T>C (NM_001316690.1); short protein forms V1983A.
Identifiers: ClinVar variation 1028058 (VCV001028058.1), dbSNP rs1805501302, ClinGen allele CA371323771.
Genomic context (GRCh38, chr8:60,852,551, plus strand): 5'-CTAACAGGTGGACAAGAAGAGAAGAGGCTGATTTTTACCGTGTGGTATCCACCTTTGGGG[T>C]TATTTTTGACCCTGTGAAACAGCAATTTGACTGGAACCAATTTAGAGCCTTTGCCAGGCT-3'
Protein context (NP_060250.2, residues 1973-1993): DFYRVVSTFG[Val1983Ala]IFDPVKQQFD

ClinVar aggregate classification (germline): Uncertain significance (1 of 4 stars; one submission).

Conditions:
CHARGE syndrome (CHARGE). Also called: Hittner Hirsch Kreh syndrome; Coloboma, heart anomaly, choanal atresia, retardation, genital and ear anomalies; CHARGE association; Hall-Hittner syndrome; CHARGE ASSOCIATION--COLOBOMA, HEART ANOMALY, CHOANAL ATRESIA, RETARDATION, GENITAL AND EAR ANOMALIES. Identifiers: Orphanet 138, MedGen C0265354, MONDO:0008965.

Submission:

Baylor Genetics
Classification: Uncertain significance for CHD7-related CHARGE syndrome. Last evaluated: 2020-02-21. Review status: criteria provided, single submitter. Criteria: ACMG Guidelines, 2015. Collection method: clinical testing. Allele origin: unknown. Affected: yes.
Comment: This variant was determined to be of uncertain significance according to ACMG Guidelines, 2015 [PMID:25741868].